The following is an entry in ClinVar:

NM_004360.5(CDH1):c.326del (p.Lys109fs)

Gene: CDH1 (cadherin 1; plus strand). Cytogenetic location: 16q22.1.
Variant type: Deletion.
Coding change: c.326del on transcript NM_004360.5 (MANE Select); coding-DNA position 326, one base deleted (A; older notation c.326delA).
Protein change: p.Lys109fs; shifts the reading frame from lysine 109.
Molecular consequence: frameshift variant. On other transcripts: 5 prime UTR variant (2).
Genome position (GRCh38, 1-based): chr16:68,801,832, A deleted; the last of 3 consecutive A bases (chr16:68,801,830-68,801,832); deleting any one gives the same sequence. VCF-style (leftmost placement, unchanged base first): chr16-68801829-GA-G. GRCh37 (hg19) VCF-style: chr16-68835732-GA-G.
Other names: c.326del, p.Lys109fs (NM_001317184.2); c.-1290del (NM_001317185.2); c.-1494del (NM_001317186.2); short protein forms K109fs.
Identifiers: ClinVar variation 2503031 (VCV002503031.3), dbSNP rs1960519159, ClinGen allele CA2580612836.
Genomic context (GRCh38, chr16:68,801,829, plus strand): 5'-CTCTACGGTTTCATAACCCACAGATCCATTTCTTGGTCTACGCCTGGGACTCCACCTACA[GA>G]AAGTTTTCCACCAAAGTCACGCTGAATACAGTGGGGCACCACCACCGCCCCCCGCCCCAT-3'

ClinVar aggregate classification (germline): Pathogenic. Review status: criteria provided, multiple submitters, no conflicts (2 of 4 stars). 2 submissions from 2 submitters: Pathogenic (2). Last evaluated 2023-06-08.

Conditions:
Hereditary diffuse gastric adenocarcinoma (HDGC). Also called: DIFFUSE GASTRIC AND LOBULAR BREAST CANCER SYNDROME. Identifiers: Orphanet 26106, MedGen C1708349, MONDO:0007648, OMIM 137215.

Submissions (2):

Myriad Genetics, Inc.
Classification: Pathogenic for Hereditary diffuse gastric adenocarcinoma. Last evaluated: 2023-06-08. Review status: criteria provided, single submitter. Criteria: Myriad Autosomal Dominant, Autosomal Recessive and X-Linked Classification Criteria (2023). Collection method: clinical testing. Allele origin: unknown.
Comment: This variant is considered pathogenic. This variant creates a frameshift predicted to result in premature protein truncation.

European Reference Network on Genetic Tumour Risk Syndromes (ERN-GENTURIS), i3s - Instituto de Investigação e Inovação em Saúde, University of Porto
Classification: Pathogenic for Hereditary diffuse gastric adenocarcinoma. Last evaluated: 2022-08-01. Review status: criteria provided, single submitter. Criteria: Lee et al. (Hum Mutat. 2018). Collection method: clinical testing. Allele origin: germline. Inheritance: Autosomal dominant inheritance. Affected: yes. Study: ERN GENTURIS.
Comment: PVS1; PS4_Supporting; PM2 (PMID: 30311375)

Literature cited by the submitters: PubMed 36436516 (cited by European Reference Network on Genetic Tumour Risk Syndromes (ERN-GENTURIS), i3s - Instituto de Investigação e Inovação em Saúde, University of Porto).